The following is an entry in ClinVar:

NM_001042681.2(RERE):c.2336_2347dup (p.Ser782_Gln783insProThrAlaSer)

Gene: RERE (arginine-glutamic acid dipeptide repeats; minus strand). Cytogenetic location: 1p36.23.
Variant type: Duplication.
Coding change: c.2336_2347dup on transcript NM_001042681.2 (MANE Select); coding-DNA positions 2336 to 2347, 12 bases duplicated (CCACGGCCTCCC).
Protein change: p.Ser782_Gln783insProThrAlaSer.
Molecular consequence: inframe insertion.
Genome position (GRCh38, 1-based): chr1:8,361,160-8,361,171, GGGAGGCCGTGG duplicated on the plus strand (CCACGGCCTCCC on the coding strand, the reverse complement: RERE is on the minus strand); duplicating any 12 consecutive bases within chr1:8,361,160-8,361,176 gives the same sequence; the c. name uses the placement nearest the transcript's 3' end. VCF-style (leftmost placement, unchanged base first): chr1-8361159-T-TGGGAGGCCGTGG. GRCh37 (hg19) VCF-style: chr1-8421219-T-TGGGAGGCCGTGG.
Other names: c.674_685dup, p.Ser228_Gln229insProThrAlaSer (NM_001042682.2); c.2336_2347dup, p.Ser782_Gln783insProThrAlaSer (NM_012102.4).
Identifiers: ClinVar variation 2435405 (VCV002435405.4), dbSNP rs2522719871, ClinGen allele CA2580062557.
Genomic context (GRCh38, chr1:8,361,159, plus strand): 5'-GCCTGTTGGATGTGGGTGTGGGGAACAGGCGCTGTGGGAGCCTGTGGCTGGTTAGGGGCC[T>TGGGAGGCCGTGG]GGGAGGCCGTGGGGGAGCCCTGTGGGGGAACTGCAGTGGCAGAGGGCGTGGGCCCTGGCG-3'

ClinVar aggregate classification (germline): Conflicting classifications of pathogenicity. Review status: criteria provided, conflicting classifications (1 of 4 stars). 2 submissions from 2 submitters: Uncertain significance (1); Likely benign (1). Last evaluated 2026-06-06.

Conditions:
Neurodevelopmental disorder with or without anomalies of the brain, eye, or heart (NEDBEH). Identifiers: Orphanet 494344, MedGen C5567477, MONDO:0014857, OMIM 616975.

Submissions (2):

Centre for Medical Genetics,  Mumbai
Classification: Likely benign for Neurodevelopmental disorder with or without anomalies of the brain, eye, or heart. Last evaluated: 2026-06-06. Review status: criteria provided, single submitter. Criteria: ACMG Guidelines, 2015. Collection method: provider interpretation. Allele origin: germline. Inheritance: Autosomal dominant inheritance. Affected: no. Observed: 1 variant allele, 1 heterozygote.
Comment: The variant satisfies PM2 criteria - extremely low frequency in gnomAD population databases. The variant satisfies PM4 criteria - protein length changes resulting from in-frame deletions/insertions in a non-repeat region or a stop-loss variant. However, the variant satisfies BS2 criteria - present in heterozygous state in an individual that clinically does not have neurodevelopmental disorder.

Revvity Omics, Revvity
Classification: Uncertain significance for Neurodevelopmental disorder with or without anomalies of the brain, eye, or heart. Last evaluated: 2020-12-07. Review status: criteria provided, single submitter. Criteria: ACMG Guidelines, 2015. Collection method: clinical testing. Allele origin: germline.

Literature cited by the submitters: PubMed 27087320 (cited by Centre for Medical Genetics,  Mumbai).